The following is an entry in ClinVar:

ClinVar aggregate classification (germline): Uncertain significance. Review status: criteria provided, multiple submitters, no conflicts (2 of 4 stars). 3 submissions from 3 submitters: Uncertain significance (3). Last evaluated 2025-10-06.

Conditions:
Inborn genetic diseases. Identifiers: MedGen C0950123, MeSH D030342.

Allele frequency attached by ClinVar (database versions not stated): gnomAD exomes 0.00001 and 0.00003; ExAC 0.00002; gnomAD 0.00013 and 0.00014; TOPMed 0.00014; ESP Exome Variant Server 0.00015.

Submissions (3):

Women's Health and Genetics/Laboratory Corporation of America, LabCorp
Classification: Uncertain significance. Last evaluated: 2025-10-06. Review status: criteria provided, single submitter. Criteria: LabCorp Variant Classification Summary - May 2015. Collection method: clinical testing. Allele origin: germline.
Comment: Variant summary: CUL7 c.4003G>C (p.Asp1335His) results in a non-conservative amino acid change in the encoded protein sequence. Algorithms developed to predict the effect of missense changes on protein structure and function are either unavailable or do not agree on the potential impact of this missense change. The variant allele was found at a frequency of 3.2e-05 in 251374 control chromosomes, predominantly at a frequency of 0.00043 within the African or African-American subpopulation in the gnomAD database. The available data on variant occurrences in the general population are insufficient to allow any conclusion about variant significance. To our knowledge, no occurrence of c.4003G>C in individuals affected with CUL7-related conditions and no experimental evidence demonstrating its impact on protein function have been reported. ClinVar contains an entry for this variant (Variation ID: 500049). Based on the evidence outlined above, the variant was classified as uncertain significance.

Ambry Genetics
Classification: Uncertain significance for Inborn genetic diseases. Last evaluated: 2024-09-11. Review status: criteria provided, single submitter. Criteria: Ambry Variant Classification Scheme 2023. Collection method: clinical testing. Allele origin: germline.

Eurofins Ntd Llc (ga)
Classification: Uncertain significance. Last evaluated: 2017-02-02. Review status: criteria provided, single submitter. Criteria: EGL Classification Definitions 2015. Collection method: clinical testing. Allele origin: germline. Observed: 1 variant allele, 1 heterozygote.

NM_014780.5(CUL7):c.4003G>C (p.Asp1335His)

Gene: CUL7 (cullin 7; minus strand). Cytogenetic location: 6p21.1.
Variant type: single nucleotide variant.
Coding change: c.4003G>C on transcript NM_014780.5 (MANE Select); coding-DNA position 4003, G replaced by C.
Protein change: p.Asp1335His; replaces aspartic acid 1335 with histidine.
Molecular consequence: missense variant.
Genome position (GRCh38, 1-based): chr6:43,040,550, C>G on the plus strand (G>C on the coding strand, the complement: CUL7 is on the minus strand). VCF-style: chr6-43040550-C-G. GRCh37 (hg19) VCF-style: chr6-43008288-C-G.
Other names: c.4099G>C, p.Asp1367His (NM_001168370.2, NM_001374872.1); c.4003G>C, p.Asp1335His (NM_001374873.1); c.4000G>C, p.Asp1334His (NM_001374874.1); c.4003G>C (NM_014780.4); short protein forms D1335H, D1334H, D1367H.
Identifiers: ClinVar variation 500049 (VCV000500049.7), dbSNP rs142830307, ClinGen allele CA3813339.